The following is an entry in ClinVar:

NM_001105206.3(LAMA4):c.1432C>A (p.Leu478Met)

Gene: LAMA4 (laminin subunit alpha 4; minus strand). Cytogenetic location: 6q21.
Variant type: single nucleotide variant.
Coding change: c.1432C>A on transcript NM_001105206.3 (MANE Select); coding-DNA position 1432, C replaced by A.
Protein change: p.Leu478Met; replaces leucine 478 with methionine.
Molecular consequence: missense variant.
Genome position (GRCh38, 1-based): chr6:112,172,730, G>T on the plus strand (C>A on the coding strand, the complement: LAMA4 is on the minus strand). VCF-style: chr6-112172730-G-T. GRCh37 (hg19) VCF-style: chr6-112493932-G-T.
Other names: c.1411C>A, p.Leu471Met (NM_001105207.3, NM_002290.5); short protein forms L478M, L471M.
Identifiers: ClinVar variation 948717 (VCV000948717.9), dbSNP rs1488086236, ClinGen allele CA365370806.

ClinVar aggregate classification (germline): Uncertain significance (1 of 4 stars; one submission).

Conditions:
Dilated cardiomyopathy 1JJ (CMD1JJ). Identifiers: Orphanet 154, MedGen C3808935, MONDO:0014095, OMIM 615235.

Submission:

Labcorp Genetics (formerly Invitae), Labcorp
Classification: Uncertain significance for Dilated cardiomyopathy 1JJ. Last evaluated: 2019-05-16. Review status: criteria provided, single submitter. Criteria: Invitae Variant Classification Sherloc (09022015). Collection method: clinical testing. Allele origin: germline.
Comment: Algorithms developed to predict the effect of missense changes on protein structure and function are either unavailable or do not agree on the potential impact of this missense change (SIFT: "Deleterious"; PolyPhen-2: "Probably Damaging"; Align-GVGD: "Class C0"). In summary, the available evidence is currently insufficient to determine the role of this variant in disease. Therefore, it has been classified as a Variant of Uncertain Significance. This variant has not been reported in the literature in individuals with LAMA4-related conditions. This variant is not present in population databases (ExAC no frequency). This sequence change replaces leucine with methionine at codon 471 of the LAMA4 protein (p.Leu471Met). The leucine residue is highly conserved and there is a small physicochemical difference between leucine and methionine.